The following is an entry in ClinVar:

NM_002691.4(POLD1):c.2017G>A (p.Glu673Lys)

Gene: POLD1 (DNA polymerase delta 1, catalytic subunit; plus strand). Cytogenetic location: 19q13.33.
Variant type: single nucleotide variant.
Coding change: c.2017G>A on transcript NM_002691.4 (MANE Select); coding-DNA position 2017, G replaced by A.
Protein change: p.Glu673Lys; replaces glutamic acid 673 with lysine.
Molecular consequence: missense variant. On other transcripts: non-coding transcript variant (1).
Genome position (GRCh38, 1-based): chr19:50,409,529, G>A. VCF-style: chr19-50409529-G-A. GRCh37 (hg19) VCF-style: chr19-50912786-G-A.
Other names: c.2017G>A, p.Glu673Lys (NM_001256849.1); c.2095G>A, p.Glu699Lys (NM_001308632.1); short protein forms E673K, E699K.
Identifiers: ClinVar variation 220938 (VCV000220938.46), dbSNP rs61751955, ClinGen allele CA347969.

ClinVar aggregate classification (germline): Conflicting classifications of pathogenicity. Review status: criteria provided, conflicting classifications (1 of 4 stars). 14 submissions from 14 submitters: Uncertain significance (9); Likely benign (4). 1 of the submissions does not count toward it. Last evaluated 2026-01-25.

Conditions:
Hereditary cancer-predisposing syndrome. Also called: Tumor predisposition; Hereditary Cancer Syndrome; Neoplastic Syndromes, Hereditary; Hereditary neoplastic syndrome. Identifiers: Orphanet 140162, MedGen C0027672, MeSH D009386, MONDO:0015356.
POLD1-related polyposis and colorectal cancer syndrome (CRCS10). Also called: Colorectal cancer 10; COLORECTAL CANCER, SUSCEPTIBILITY TO, ON CHROMOSOME 19q; Colorectal cancer, susceptibility to, 10. Identifiers: Orphanet 220460, MedGen C2675481, MONDO:0012953, OMIM 612591.
Immunodeficiency 120. Identifiers: MedGen C5935622, MONDO:0970994, OMIM 620836.
Mandibular hypoplasia-deafness-progeroid syndrome. Also called: Mandibular hypoplasia, deafness, progeroid features, and lipodystrophy syndrome. Identifiers: Orphanet 363649, MedGen C3715192, MONDO:0014157, OMIM 615381.

Allele frequency attached by ClinVar (database versions not stated): ESP Exome Variant Server 0.00008; ExAC 0.00016; gnomAD exomes 0.00016 and 0.00030; gnomAD 0.00017 and 0.00018; TOPMed 0.00019.
gnomAD v4.1: 457 of 1,613,560 alleles (0.028%); highest among the groups gnomAD compares: Middle Eastern, 0.05%; no homozygotes.

Submissions (14):

Labcorp Genetics (formerly Invitae), Labcorp
Classification: Likely benign for POLD1-related polyposis and colorectal cancer syndrome. Last evaluated: 2026-01-25. Review status: criteria provided, single submitter. Criteria: Invitae Variant Classification Sherloc (09022015). Collection method: clinical testing. Allele origin: germline.

Dasa
Classification: Uncertain significance. Last evaluated: 2025-12-24. Review status: criteria provided, single submitter. Criteria: DASA Assertion Criteria. Collection method: clinical testing. Allele origin: germline.
Comment: NM_002691.4(POLD1):c.2017G>A (p.Glu673Lys) is a missense variant that results in the substitution of glutamic acid with lysine. This variant is rare in population databases. The currently available literature and clinical evidence are not sufficient to establish a definitive association between this variant and the reported condition. Therefore, this variant is classified as a variant of uncertain significance.

St. Jude Molecular Pathology, St. Jude Children's Research Hospital
Classification: Uncertain significance for POLD1-related polyposis and colorectal cancer syndrome. Last evaluated: 2025-06-17. Review status: criteria provided, single submitter. Criteria: St. Jude Assertion Criteria 2020. Collection method: clinical testing. Allele origin: germline.
Comment: The POLD1 c.2017G>A p.(Glu673Lys) missense change has a maximum subpopulation frequency of 0.026% in gnomAD v2.1.1. The in silico tool REVEL predicts a benign effect on protein function, but to our knowledge this prediction has not been confirmed by functional studies. To our knowledge, this variant has not been reported in individuals with POLD1-related disease. In summary, the evidence currently available is insufficient to determine the clinical significance of this variant. It has therefore been classified as of uncertain significance.

GeneDx
Classification: Uncertain significance. Last evaluated: 2025-05-13. Review status: criteria provided, single submitter. Criteria: GeneDx Variant Classification Process June 2021. Collection method: clinical testing. Allele origin: germline. Affected: yes.
Comment: In silico analysis supports that this missense variant has a deleterious effect on protein structure/function; This variant is associated with the following publications: (PMID: 20951805, 33111339, 35534704, VandePerreP2024[preprint], 32792570)

Center for Genomic Medicine, Rigshospitalet, Copenhagen University Hospital
Classification: Uncertain significance. Last evaluated: 2025-03-04. Review status: criteria provided, single submitter. Criteria: ACMG Guidelines, 2015. Collection method: clinical testing. Allele origin: germline.

Women's Health and Genetics/Laboratory Corporation of America, LabCorp
Classification: Likely benign. Last evaluated: 2024-11-21. Review status: criteria provided, single submitter. Criteria: LabCorp Variant Classification Summary - May 2015. Collection method: clinical testing. Allele origin: germline.
Comment: Variant summary: POLD1 c.2017G>A (p.Glu673Lys) results in a conservative amino acid change in the encoded protein sequence. Three of five in-silico tools predict a benign effect of the variant on protein function. The variant allele was found at a frequency of 0.00016 in 249714 control chromosomes. The observed variant frequency is approximately 10.99 fold of the estimated maximal expected allele frequency for a pathogenic variant in POLD1 causing Colorectal Cancer phenotype (1.4e-05). c.2017G>A has been reported in the literature in the heterozygous state in at least 1 individual affected with ovarian cancer (example, Mur_2020). These report(s) do not provide unequivocal conclusions about association of the variant with POLD1-related conditions. To our knowledge, no experimental evidence demonstrating an impact on protein function has been reported. The following publication has been ascertained in the context of this evaluation (PMID: 32792570). ClinVar contains an entry for this variant (Variation ID: 220938). Based on the evidence outlined above, the variant was classified as likely benign.

Ambry Genetics
Classification: Likely benign for Hereditary cancer-predisposing syndrome. Last evaluated: 2024-08-20. Review status: criteria provided, single submitter. Criteria: Ambry Variant Classification Scheme 2023. Collection method: clinical testing. Allele origin: germline.

Blueprint Genetics
Classification: Likely benign. Last evaluated: 2024-08-20. Review status: criteria provided, single submitter. Criteria: ACMG Guidelines, 2015. Collection method: clinical testing. Allele origin: germline.

Fulgent Genetics
Classification: Uncertain significance for POLD1-related polyposis and colorectal cancer syndrome; Mandibular hypoplasia-deafness-progeroid syndrome; Immunodeficiency 120. Last evaluated: 2024-01-02. Review status: criteria provided, single submitter. Criteria: ACMG Guidelines, 2015. Collection method: clinical testing. Allele origin: germline.

Institute for Clinical Genetics, University Hospital TU Dresden, University Hospital TU Dresden
Classification: Uncertain significance. Last evaluated: 2021-11-03. Review status: criteria provided, single submitter. Criteria: ACMG Guidelines, 2015. Collection method: clinical testing. Allele origin: germline.

Quest Diagnostics Nichols Institute San Juan Capistrano
Classification: Uncertain significance. Last evaluated: 2019-10-08. Review status: criteria provided, single submitter. Criteria: Quest Diagnostics criteria. Collection method: clinical testing. Allele origin: unknown.

Genetic Services Laboratory, University of Chicago
Classification: Uncertain significance. Last evaluated: 2019-02-13. Review status: criteria provided, single submitter. Criteria: ACMG Guidelines, 2015. Collection method: clinical testing. Allele origin: germline. Affected: no.

PreventionGenetics, part of Exact Sciences
Classification: Uncertain significance. Last evaluated: 2017-08-17. Review status: criteria provided, single submitter. Criteria: ACMG Guidelines, 2015. Collection method: clinical testing. Allele origin: germline.

Department of Pathology and Laboratory Medicine, Sinai Health System
Classification: Uncertain significance. Review status: no assertion criteria provided. Collection method: clinical testing. Allele origin: unknown. Affected: yes. Study: The Canadian Open Genetics Repository (COGR). Not counted in ClinVar's aggregate classification.
Comment: The POLD1 p.Glu673Lys variant was not identified in the literature nor was it identified in the Cosmic, LOVD 3.0, MutDB or Insight Hereditary Tumors Database,. The variant was identified in dbSNP (ID: rs61751955) â€šÃ„ÃºWith Uncertain significance alleleâ€šÃ„Ã¹, ClinVar (classified as uncertain significance by Invitae and GeneDx), Clinvitae (2x), and in control databases in 41 of 275668 chromosomes at a frequency of 0.0001 increasing the likelihood this could be a low frequency benign variant (Genome Aggregation Database Feb 27, 2017). Breakdown of the observations by population include Other in 2 of 6442 chromosomes (freq: 0.0003), Latino in 7 of 34418 chromosomes (freq: 0.0002), European Non-Finnish in 31 of 125274 chromosomes (freq: 0.0002), Ashkenazi Jewish in 1 of 10142 chromosomes (freq: 0.0001), while not observed in the African, East Asian, European Finnish and South Asian populations. The p.Glu673Lys variant falls within the DNA-directed DNA polymerase, family B functional domain and therefore may have clinical importance. The p.Glu673 residue is conserved in mammals and computational analyses (PolyPhen-2, SIFT, AlignGVGD, BLOSUM, MutationTaster) provide inconsistent predictions regarding the impact of the variant Lys to the protein; this information is not very predictive of pathogenicity. The variant occurs outside of the splicing consensus sequence and in silico or computational prediction software programs (SpliceSiteFinder, MaxEntScan, NNSPLICE, GeneSplicer, HumanSpliceFinder) do not predict a difference in splicing. In summary, based on the above information the clinical significance of this variant cannot be determined with certainty at this time. This variant is classified as a variant of uncertain significance.

Literature cited by the submitters: PubMed 32792570 (cited by Women's Health and Genetics/Laboratory Corporation of America, LabCorp); PubMed 20951805 (cited by Quest Diagnostics Nichols Institute San Juan Capistrano).